The following is an entry in ClinVar:

ClinVar aggregate classification (germline): Uncertain significance (1 of 4 stars; one submission).

Submission:

GeneDx
Classification: Uncertain significance. Last evaluated: 2022-02-23. Review status: criteria provided, single submitter. Criteria: GeneDx Variant Classification Process June 2021. Collection method: clinical testing. Allele origin: germline. Affected: yes.
Comment: Has not been previously published as pathogenic or benign to our knowledge; Not observed at significant frequency in large population cohorts (gnomAD); In silico analysis supports that this missense variant does not alter protein structure/function

NM_020778.5(ALPK3):c.1443G>T (p.Lys481Asn)

Gene: ALPK3 (alpha kinase 3; plus strand). Cytogenetic location: 15q25.3.
Variant type: single nucleotide variant.
Coding change: c.1443G>T on transcript NM_020778.5 (MANE Select); coding-DNA position 1443, G replaced by T.
Protein change: p.Lys481Asn; replaces lysine 481 with asparagine.
Molecular consequence: missense variant.
Genome position (GRCh38, 1-based): chr15:84,840,722, G>T. VCF-style: chr15-84840722-G-T. GRCh37 (hg19) VCF-style: chr15-85383953-G-T.
Other names: short protein forms K481N.
Identifiers: ClinVar variation 1703395 (VCV001703395.2), dbSNP rs541903958, ClinGen allele CA393375635.